The following is an entry in ClinVar:

ClinVar aggregate classification (germline): Uncertain significance (1 of 4 stars; one submission).

Conditions:
Cardiovascular phenotype. Identifiers: MedGen CN230736.

gnomAD v4.1: 2 of 1,318,696 alleles (0.00015%); highest among the groups gnomAD compares: Non-Finnish European, 0.00019%; no homozygotes.

Submission:

Ambry Genetics
Classification: Uncertain significance for Cardiovascular phenotype. Last evaluated: 2026-04-09. Review status: criteria provided, single submitter. Criteria: Ambry Variant Classification Scheme 2023. Collection method: clinical testing. Allele origin: germline.
Comment: The p.A17P variant (also known as c.49G>C), located in coding exon 1 of the SNTA1 gene, results from a G to C substitution at nucleotide position 49. The alanine at codon 17 is replaced by proline, an amino acid with highly similar properties. This amino acid position is conserved. In addition, this alteration is predicted to be tolerated by in silico analysis. Based on the available evidence, the clinical significance of this variant remains unclear.

NM_003098.3(SNTA1):c.49G>C (p.Ala17Pro)

Genes: SNTA1 (syntrophin alpha 1; minus strand), LOC130065680 (ATAC-STARR-seq lymphoblastoid silent region 12812; plus strand). Cytogenetic location: 20q11.21.
Variant type: single nucleotide variant.
Coding change: c.49G>C on transcript NM_003098.3 (MANE Select); coding-DNA position 49, G replaced by C.
Protein change: p.Ala17Pro; replaces alanine 17 with proline.
Molecular consequence: missense variant.
Genome position (GRCh38, 1-based): chr20:33,443,572, C>G on the plus strand (G>C on the coding strand, the complement: SNTA1 is on the minus strand). VCF-style: chr20-33443572-C-G. GRCh37 (hg19) VCF-style: chr20-32031378-C-G.
Other names: c.49G>C, p.Ala17Pro (NM_001424413.1, NM_001424414.1); short protein forms A17P.
Identifiers: ClinVar variation 4864920 (VCV004864920.1).